The following is an entry in ClinVar:

NM_017882.3(CLN6):c.426C>G (p.Tyr142Ter)

Gene: CLN6 (CLN6 transmembrane ER protein; minus strand). Cytogenetic location: 15q23.
Variant type: single nucleotide variant.
Coding change: c.426C>G on transcript NM_017882.3 (MANE Select); coding-DNA position 426, C replaced by G.
Protein change: p.Tyr142Ter; replaces tyrosine 142 with a stop codon.
Molecular consequence: nonsense.
Genome position (GRCh38, 1-based): chr15:68,211,735, G>C on the plus strand (C>G on the coding strand, the complement: CLN6 is on the minus strand). VCF-style: chr15-68211735-G-C. GRCh37 (hg19) VCF-style: chr15-68504073-G-C.
Other names: c.522C>G, p.Tyr174Ter (NM_001411068.1); short protein forms Y142*, Y174*.
Identifiers: ClinVar variation 2736229 (VCV002736229.3), dbSNP rs768766915, ClinGen allele CA392973431.

ClinVar aggregate classification (germline): Pathogenic (1 of 4 stars; one submission).

Conditions:
Neuronal ceroid lipofuscinosis. Also called: Neuronal Ceroid Lipofuscinoses. Identifiers: Orphanet 216, Orphanet 79263, MedGen C0027877, MONDO:0016295. Disease mechanism: loss of function.

Submission:

Labcorp Genetics (formerly Invitae), Labcorp
Classification: Pathogenic for Neuronal ceroid lipofuscinosis. Last evaluated: 2023-04-07. Review status: criteria provided, single submitter. Criteria: Invitae Variant Classification Sherloc (09022015). Collection method: clinical testing. Allele origin: germline.
Comment: For these reasons, this variant has been classified as Pathogenic. This premature translational stop signal has been observed in individual(s) with neuronal ceroid lipofuscinosis (PMID: 19135028). This variant is not present in population databases (gnomAD no frequency). This sequence change creates a premature translational stop signal (p.Tyr142*) in the CLN6 gene. It is expected to result in an absent or disrupted protein product. Loss-of-function variants in CLN6 are known to be pathogenic (PMID: 19135028).

Literature cited by the submitters: PubMed 19135028.